The following is an entry in ClinVar:

NM_006516.4(SLC2A1):c.979del (p.Val327fs)

Gene: SLC2A1 (solute carrier family 2 member 1; minus strand). Cytogenetic location: 1p34.2.
Variant type: Deletion.
Coding change: c.979del on transcript NM_006516.4 (MANE Select); coding-DNA position 979, one base deleted (G; older notation c.979delG).
Protein change: p.Val327fs; shifts the reading frame from valine 327.
Molecular consequence: frameshift variant.
Genome position (GRCh38, 1-based): chr1:42,929,027, C deleted on the plus strand (G on the coding strand, the reverse complement: SLC2A1 is on the minus strand). VCF-style (leftmost placement, unchanged base first): chr1-42929026-AC-A. GRCh37 (hg19) VCF-style: chr1-43394697-AC-A.
Other names: short protein forms V327fs.
Identifiers: ClinVar variation 207223 (VCV000207223.1), dbSNP rs796053270, ClinGen allele CA318486.

ClinVar aggregate classification (germline): Pathogenic (1 of 4 stars; one submission).

Submission:

GeneDx
Classification: Pathogenic. Last evaluated: 2014-06-30. Review status: criteria provided, single submitter. Criteria: GeneDx Variant Classification (06012015). Collection method: clinical testing. Allele origin: germline. Affected: yes.
Comment: c.979delG: p.Val327TrpfsX13 (V327WfsX13) in exon 8 of the SLC2A1 gene (NM_006516.2). The normal sequence with the base that is deleted in braces is: GTTT{G}TGGT.The c.979delG mutation in the SLC2A1 gene causes a frameshift starting with codon Valine 327, changes this amino acid to a Tryptophan residue and creates a premature Stop codon at position 13 of the new reading frame, denoted p.Val327TrpfsX13. This mutation is predicted to cause loss of normal protein function either through protein truncation or nonsense-mediated mRNA decay. Although this mutation has not been previously reported to our knowledge, other frameshift mutations have been reported in the SLC2A1 gene. The variant is found in INFANT-EPI panel(s).